The following is an entry in ClinVar:

ClinVar aggregate classification (germline): Uncertain significance (1 of 4 stars; one submission).

Conditions:
Autosomal dominant limb-girdle muscular dystrophy type 1G (LGMDD3). Also called: MUSCULAR DYSTROPHY, LIMB-GIRDLE, AUTOSOMAL DOMINANT 3; Limb-girdle muscular dystrophy, type 1G. Identifiers: Orphanet 55596, MedGen C1836765, MONDO:0012193, OMIM 609115.

gnomAD v4.1: 1 of 1,379,026 alleles (0.000073%); highest among the groups gnomAD compares: Non-Finnish European, 0.000093%; no homozygotes.

Submission:

Labcorp Genetics (formerly Invitae), Labcorp
Classification: Uncertain significance for Autosomal dominant limb-girdle muscular dystrophy type 1G. Last evaluated: 2024-09-05. Review status: criteria provided, single submitter. Criteria: Invitae Variant Classification Sherloc (09022015). Collection method: clinical testing. Allele origin: germline.
Comment: This sequence change replaces proline, which is neutral and non-polar, with threonine, which is neutral and polar, at codon 35 of the HNRNPDL protein (p.Pro35Thr). This variant is not present in population databases (gnomAD no frequency). This variant has not been reported in the literature in individuals affected with HNRNPDL-related conditions. ClinVar contains an entry for this variant (Variation ID: 1951464). An algorithm developed to predict the effect of missense changes on protein structure and function (PolyPhen-2) suggests that this variant is likely to be disruptive. In summary, the available evidence is currently insufficient to determine the role of this variant in disease. Therefore, it has been classified as a Variant of Uncertain Significance.

NM_031372.4(HNRNPDL):c.103C>A (p.Pro35Thr)

Gene: HNRNPDL (heterogeneous nuclear ribonucleoprotein D like; minus strand). Cytogenetic location: 4q21.22.
Variant type: single nucleotide variant.
Coding change: c.103C>A on transcript NM_031372.4 (MANE Select); coding-DNA position 103, C replaced by A.
Protein change: p.Pro35Thr; replaces proline 35 with threonine.
Molecular consequence: missense variant. On other transcripts: non-coding transcript variant (1).
Genome position (GRCh38, 1-based): chr4:82,429,588, G>T on the plus strand (C>A on the coding strand, the complement: HNRNPDL is on the minus strand). VCF-style: chr4-82429588-G-T. GRCh37 (hg19) VCF-style: chr4-83350741-G-T.
Other names: c.103C>A, p.Pro35Thr (NM_001207000.1); short protein forms P35T.
Identifiers: ClinVar variation 1951464 (VCV001951464.5), dbSNP rs1195654159, ClinGen allele CA357173594.
Genomic context (GRCh38, chr4:82,429,588, plus strand): 5'-GCGCCCCCTGCCGGGCGGAGCTGGGAGCGAGCGAAGGGAGGAGCGGGGCTAGCTGCCGCG[G>T]CGGCCGCGGCCGCCAATGGGAGAGGCTGCGGGAGGCTAAAGTAGCGGGAGCGGAGGGGAA-3'
Protein context (NP_112740.1, residues 25-45): RSLSHWRPRP[Pro35Thr]RQLAPLLPSL